The following is an entry in ClinVar:

ClinVar aggregate classification (germline): Conflicting classifications of pathogenicity. Review status: criteria provided, conflicting classifications (1 of 4 stars). 8 submissions from 8 submitters: Uncertain significance (1); Likely benign (5). 2 of the submissions do not count toward it. Last evaluated 2026-01-20.

Conditions:
TH-deficient dopa-responsive dystonia. Also called: Segawa syndrome, autosomal recessive; Tyrosine Hydroxylase-Deficient Dopa-Responsive Dystonia; DYT-TH. Identifiers: Orphanet 101150, MedGen C2673535, MONDO:0011551, OMIM 605407.
TH-related disorder. Also called: TH-related condition.

Allele frequency attached by ClinVar (database versions not stated): TOPMed 0.00038; 1000 Genomes Project 0.00040; gnomAD exomes 0.00040; ExAC 0.00045; ESP Exome Variant Server 0.00046; 1000 Genomes Project 30x 0.00047; gnomAD 0.00055 and 0.00056.
gnomAD v4.1: 816 of 1,540,210 alleles (0.053%); highest among the groups gnomAD compares: Non-Finnish European, 0.064%; no homozygotes.

Submissions (8):

Labcorp Genetics (formerly Invitae), Labcorp
Classification: Likely benign for TH-deficient dopa-responsive dystonia. Last evaluated: 2026-01-20. Review status: criteria provided, single submitter. Criteria: Invitae Variant Classification Sherloc (09022015). Collection method: clinical testing. Allele origin: germline.

CeGaT Center for Human Genetics Tuebingen
Classification: Likely benign. Last evaluated: 2026-01-01. Review status: criteria provided, single submitter. Criteria: CeGaT Center For Human Genetics Tuebingen Variant Classification Criteria Version 2. Collection method: clinical testing. Allele origin: germline. Affected: yes. Observed: 13 variant alleles.
Comment: TH: BP4, BP7

Laboratory of Genetics, Children's Clinical University Hospital Latvia
Classification: Likely benign. Last evaluated: 2025-02-16. Review status: criteria provided, single submitter. Criteria: ACMG Guidelines, 2015. Collection method: clinical testing. Allele origin: germline. Affected: yes.

Blueprint Genetics
Classification: Likely benign. Last evaluated: 2024-11-13. Review status: criteria provided, single submitter. Criteria: ACMG Guidelines, 2015. Collection method: clinical testing. Allele origin: germline.

GeneDx
Classification: Likely benign. Last evaluated: 2021-04-30. Review status: criteria provided, single submitter. Criteria: GeneDx Variant Classification Process June 2021. Collection method: clinical testing. Allele origin: germline. Affected: yes.

Illumina Laboratory Services, Illumina
Classification: Uncertain significance for TH-deficient dopa-responsive dystonia. Last evaluated: 2018-01-12. Review status: criteria provided, single submitter. Criteria: ICSL Variant Classification Criteria 13 December 2019. Collection method: clinical testing. Allele origin: germline.

PreventionGenetics, part of Exact Sciences
Classification: Likely benign for TH-related condition. Last evaluated: 2024-01-02. Review status: no assertion criteria provided. Collection method: clinical testing. Allele origin: germline. Not counted in ClinVar's aggregate classification.
Comment: This variant is classified as likely benign based on ACMG/AMP sequence variant interpretation guidelines (Richards et al. 2015 PMID: 25741868, with internal and published modifications).

Natera, Inc.
Classification: Likely benign for Autosomal recessive Segawa syndrome. Last evaluated: 2020-04-11. Review status: no assertion criteria provided. Collection method: clinical testing. Allele origin: germline. Not counted in ClinVar's aggregate classification.

NM_000360.4(TH):c.1398C>T (p.Ile466=)

Gene: TH (tyrosine hydroxylase; minus strand). Cytogenetic location: 11p15.5.
Variant type: single nucleotide variant.
Coding change: c.1398C>T on transcript NM_000360.4 (MANE Select); coding-DNA position 1398, C replaced by T.
Protein change: p.Ile466=; no amino-acid change (isoleucine 466 retained).
Molecular consequence: synonymous variant.
Genome position (GRCh38, 1-based): chr11:2,164,329, G>A on the plus strand (C>T on the coding strand, the complement: TH is on the minus strand). VCF-style: chr11-2164329-G-A. GRCh37 (hg19) VCF-style: chr11-2185559-G-A.
Other names: c.1491C>T, p.Ile497= (NM_199292.3); c.1479C>T, p.Ile493= (NM_199293.3).
Identifiers: ClinVar variation 695523 (VCV000695523.57), dbSNP rs118175546, ClinGen allele CA5818251.